The following is an entry in ClinVar:

NM_000179.3(MSH6):c.841G>T (p.Gly281Ter)

Gene: MSH6 (mutS homolog 6; plus strand). Cytogenetic location: 2p16.3.
Variant type: single nucleotide variant.
Coding change: c.841G>T on transcript NM_000179.3 (MANE Select); coding-DNA position 841, G replaced by T.
Protein change: p.Gly281Ter; replaces glycine 281 with a stop codon.
Molecular consequence: nonsense. On other transcripts: 5 prime UTR variant (9), non-coding transcript variant (4), intron variant (1).
Genome position (GRCh38, 1-based): chr2:47,798,824, G>T. VCF-style: chr2-47798824-G-T. GRCh37 (hg19) VCF-style: chr2-48025963-G-T.
Other names: c.451G>T, p.Gly151Ter (NM_001281492.2); c.-66G>T (NM_001281493.2, NM_001281494.2, NM_001406811.1 and 6 more transcripts); c.937G>T, p.Gly313Ter (NM_001406795.1, NM_001406802.1); c.841G>T, p.Gly281Ter (NM_001406796.1, NM_001406798.1, NM_001406800.1 and 4 more transcripts); c.544G>T, p.Gly182Ter (NM_001406797.1, NM_001406801.1, NM_001406805.1 and 10 more transcripts); c.316G>T, p.Gly106Ter (NM_001406799.1, NM_001406806.1, NM_001406807.1); c.763G>T, p.Gly255Ter (NM_001406804.1); c.847G>T, p.Gly283Ter (NM_001406813.1); and 2 more; short protein forms G106*, G151*, G182*, G225*, G255*, G281*, G283*, G313*.
Identifiers: ClinVar variation 2673649 (VCV002673649.1), dbSNP rs1229666565, ClinGen allele CA346740513.
Genomic context (GRCh38, chr2:47,798,824, plus strand): 5'-TCTGATGTGGAATTTAAGCCAGACACTAAGGAGGAAGGAAGCAGTGATGAAATAAGCAGT[G>T]GAGTGGGGGATAGTGAGAGTGAAGGCCTGAACAGCCCTGTCAAAGTTGCTCGAAAGCGGA-3'

ClinVar aggregate classification (germline): Pathogenic (1 of 4 stars; one submission).

Conditions:
Lynch syndrome 5 (LYNCH5). Also called: Colorectal cancer, hereditary nonpolyposis, type 5; Hereditary non-polyposis colorectal cancer, type 5. Identifiers: Orphanet 144, MedGen C1833477, MONDO:0013710, OMIM 614350. Disease mechanism: loss of function.

Submission:

Myriad Genetics, Inc.
Classification: Pathogenic for Lynch syndrome 5. Last evaluated: 2023-08-10. Review status: criteria provided, single submitter. Criteria: Myriad Autosomal Dominant, Autosomal Recessive and X-Linked Classification Criteria (2023). Collection method: clinical testing. Allele origin: unknown.
Comment: This variant is considered pathogenic. This variant creates a termination codon and is predicted to result in premature protein truncation.